The following is an entry in ClinVar:

ClinVar aggregate classification (germline): Uncertain significance (1 of 4 stars; one submission).

Conditions:
Autosomal recessive distal spinal muscular atrophy 1. Also called: HMN VI; NEURONOPATHY, SEVERE INFANTILE AXONAL, WITH RESPIRATORY FAILURE; SEVERE INFANTILE AXONAL NEUROPATHY WITH RESPIRATORY FAILURE; SPINAL MUSCULAR ATROPHY, DIAPHRAGMATIC; Spinal muscular atrophy with respiratory distress 1; NEURONOPATHY, DISTAL HEREDITARY MOTOR, HARDING TYPE VI. Identifiers: Orphanet 98920, MedGen C1858517, MONDO:0011436, OMIM 604320.
Charcot-Marie-Tooth disease axonal type 2S. Also called: CHARCOT-MARIE-TOOTH NEUROPATHY, TYPE 2S; CHARCOT-MARIE-TOOTH DISEASE, AXONAL, AUTOSOMAL RECESSIVE, TYPE 2S. Identifiers: Orphanet 443073, MedGen C4015349, MONDO:0014511, OMIM 616155.

Allele frequency attached by ClinVar (database versions not stated): gnomAD exomes below 0.00001; gnomAD 0.00001.
gnomAD v4.1: 5 of 1,613,794 alleles (0.00031%); highest among the groups gnomAD compares: African/African-American, 0.0053%; no homozygotes.

Submission:

Labcorp Genetics (formerly Invitae), Labcorp
Classification: Uncertain significance for Autosomal recessive distal spinal muscular atrophy 1; Charcot-Marie-Tooth disease axonal type 2S. Last evaluated: 2021-10-21. Review status: criteria provided, single submitter. Criteria: Invitae Variant Classification Sherloc (09022015). Collection method: clinical testing. Allele origin: germline.
Comment: This sequence change replaces valine with methionine at codon 720 of the IGHMBP2 protein (p.Val720Met). The valine residue is weakly conserved and there is a small physicochemical difference between valine and methionine. This variant is not present in population databases (ExAC no frequency). This variant has not been reported in the literature in individuals affected with IGHMBP2-related conditions. Algorithms developed to predict the effect of missense changes on protein structure and function (SIFT, PolyPhen-2, Align-GVGD) all suggest that this variant is likely to be tolerated. In summary, the available evidence is currently insufficient to determine the role of this variant in disease. Therefore, it has been classified as a Variant of Uncertain Significance.

NM_002180.3(IGHMBP2):c.2158G>A (p.Val720Met)

Gene: IGHMBP2 (immunoglobulin mu DNA binding protein 2; plus strand). Cytogenetic location: 11q13.3.
Variant type: single nucleotide variant.
Coding change: c.2158G>A on transcript NM_002180.3 (MANE Select); coding-DNA position 2158, G replaced by A.
Protein change: p.Val720Met; replaces valine 720 with methionine.
Molecular consequence: missense variant.
Genome position (GRCh38, 1-based): chr11:68,936,638, G>A. VCF-style: chr11-68936638-G-A. GRCh37 (hg19) VCF-style: chr11-68704106-G-A.
Other names: short protein forms V720M.
Identifiers: ClinVar variation 858411 (VCV000858411.5), dbSNP rs1462234845, ClinGen allele CA381652926.